The following is an entry in ClinVar:

NM_005629.4(SLC6A8):c.262+1G>A

Gene: SLC6A8 (solute carrier family 6 member 8; plus strand). Cytogenetic location: Xq28.
Variant type: single nucleotide variant.
Coding change: c.262+1G>A on transcript NM_005629.4 (MANE Select); the canonical splice donor site of the intron after coding-DNA position 262, G replaced by A.
Molecular consequence: splice donor variant.
Genome position (GRCh38, 1-based): chrX:153,688,837, G>A. VCF-style: chrX-153688837-G-A. GRCh37 (hg19) VCF-style: chrX-152954292-G-A.
Other names: c.262+1G>A (NM_001142805.2).
Identifiers: ClinVar variation 3897549 (VCV003897549.1).

ClinVar aggregate classification (germline): Likely pathogenic (1 of 4 stars; one submission).

Conditions:
Creatine transporter deficiency (CCDS1). Also called: CEREBRAL CREATINE DEFICIENCY SYNDROME 1; Creatine Transporter (CRTR) Deficiency; Mental retardation , X-linked with seizures, short stature and midface hypoplasia; Mental retardation , X-linked, with creatine transport deficiency; X-linked creatine transporter deficiency; X-linked creatine deficiency syndrome. Identifiers: Orphanet 52503, MedGen C1845862, MONDO:0010305, OMIM 300352.

Submission:

Institute of Immunology and Genetics Kaiserslautern
Classification: Likely pathogenic for Creatine transporter deficiency. Last evaluated: 2024-12-23. Review status: criteria provided, single submitter. Criteria: ACMG Guidelines, 2015. Collection method: clinical testing. Allele origin: maternal. Affected: yes.
Comment: ACMG Criteria: PVS1; PM2; Variant was found in hemizygous state